The following is an entry in ClinVar:

NM_014714.4(IFT140):c.3077T>C (p.Val1026Ala)

Genes: IFT140 (intraflagellar transport 140; minus strand), LOC126862260 (CDK7 strongly-dependent group 2 enhancer GRCh37_chr16:1574508-1575707; plus strand). Cytogenetic location: 16p13.3.
Variant type: single nucleotide variant.
Coding change: c.3077T>C on transcript NM_014714.4 (MANE Select); coding-DNA position 3077, T replaced by C.
Protein change: p.Val1026Ala; replaces valine 1026 with alanine.
Molecular consequence: missense variant.
Genome position (GRCh38, 1-based): chr16:1,524,616, A>G on the plus strand (T>C on the coding strand, the complement: IFT140 is on the minus strand). VCF-style: chr16-1524616-A-G. GRCh37 (hg19) VCF-style: chr16-1574617-A-G.
Other names: c.3077T>C (NM_014714.3); short protein forms V1026A.
Identifiers: ClinVar variation 1024887 (VCV001024887.10), dbSNP rs755333071, ClinGen allele CA7813328.

ClinVar aggregate classification (germline): Uncertain significance. Review status: criteria provided, multiple submitters, no conflicts (2 of 4 stars). 2 submissions from 2 submitters: Uncertain significance (2). Last evaluated 2025-09-21.

Conditions:
Inborn genetic diseases. Identifiers: MedGen C0950123, MeSH D030342.
Saldino-Mainzer syndrome (SRTD9). Also called: CONORENAL SYNDROME; Renal dysplasia, retinal pigmentary dystrophy, cerebellar ataxia and skeletal dysplasia; short-rib thoracic dysplasia 9 with or without polydactyly; SHORT-RIB THORACIC DYSPLASIA 9 WITHOUT POLYDACTYLY. Identifiers: Orphanet 140969, MedGen C1849437, MONDO:0009964, OMIM 266920.

Allele frequency attached by ClinVar (database versions not stated): gnomAD exomes below 0.00001; ExAC 0.00001; gnomAD 0.00001; TOPMed 0.00001.
gnomAD v4.1: 8 of 1,602,620 alleles (0.0005%); highest among the groups gnomAD compares: Non-Finnish European, 0.00068%; no homozygotes.

Submissions (2):

Labcorp Genetics (formerly Invitae), Labcorp
Classification: Uncertain significance for Saldino-Mainzer syndrome. Last evaluated: 2025-09-21. Review status: criteria provided, single submitter. Criteria: Invitae Variant Classification Sherloc (09022015). Collection method: clinical testing. Allele origin: germline.
Comment: This sequence change replaces valine, which is neutral and non-polar, with alanine, which is neutral and non-polar, at codon 1026 of the IFT140 protein (p.Val1026Ala). This variant is present in population databases (rs755333071, gnomAD 0.002%). This variant has not been reported in the literature in individuals affected with IFT140-related conditions. ClinVar contains an entry for this variant (Variation ID: 1024887). Invitae Evidence Modeling of protein sequence and biophysical properties (such as structural, functional, and spatial information, amino acid conservation, physicochemical variation, residue mobility, and thermodynamic stability) indicates that this missense variant is not expected to disrupt IFT140 protein function with a negative predictive value of 95%. In summary, the available evidence is currently insufficient to determine the role of this variant in disease. Therefore, it has been classified as a Variant of Uncertain Significance.

Ambry Genetics
Classification: Uncertain significance for Inborn genetic diseases. Last evaluated: 2025-08-09. Review status: criteria provided, single submitter. Criteria: Ambry Variant Classification Scheme 2023. Collection method: clinical testing. Allele origin: germline.